The following is an entry in ClinVar:

NM_006231.4(POLE):c.5273T>A (p.Phe1758Tyr)

Gene: POLE (DNA polymerase epsilon, catalytic subunit; minus strand). Cytogenetic location: 12q24.33.
Variant type: single nucleotide variant.
Coding change: c.5273T>A on transcript NM_006231.4 (MANE Select); coding-DNA position 5273, T replaced by A.
Protein change: p.Phe1758Tyr; replaces phenylalanine 1758 with tyrosine.
Molecular consequence: missense variant.
Genome position (GRCh38, 1-based): chr12:132,641,752, A>T on the plus strand (T>A on the coding strand, the complement: POLE is on the minus strand). VCF-style: chr12-132641752-A-T. GRCh37 (hg19) VCF-style: chr12-133218338-A-T.
Other names: short protein forms F1758Y.
Identifiers: ClinVar variation 843273 (VCV000843273.9), dbSNP rs2042148242, ClinGen allele CA387376217.

ClinVar aggregate classification (germline): Uncertain significance (1 of 4 stars; one submission).

Submission:

Labcorp Genetics (formerly Invitae), Labcorp
Classification: Uncertain significance. Last evaluated: 2019-12-19. Review status: criteria provided, single submitter. Criteria: Invitae Variant Classification Sherloc (09022015). Collection method: clinical testing. Allele origin: germline.
Comment: In summary, the available evidence is currently insufficient to determine the role of this variant in disease. Therefore, it has been classified as a Variant of Uncertain Significance. Algorithms developed to predict the effect of missense changes on protein structure and function are either unavailable or do not agree on the potential impact of this missense change (SIFT: "Tolerated"; PolyPhen-2: "Probably Damaging"; Align-GVGD: "Class C0"). This variant has not been reported in the literature in individuals with POLE-related conditions. This variant is not present in population databases (ExAC no frequency). This sequence change replaces phenylalanine with tyrosine at codon 1758 of the POLE protein (p.Phe1758Tyr). The phenylalanine residue is highly conserved and there is a small physicochemical difference between phenylalanine and tyrosine.